The following is an entry in ClinVar:

ClinVar aggregate classification (germline): Uncertain significance (1 of 4 stars; one submission).

Conditions:
L-2-hydroxyglutaric aciduria (L2HGA). Identifiers: Orphanet 79314, MedGen C1855995, MONDO:0009370, OMIM 236792, HP:0040144.

Allele frequency attached by ClinVar (database versions not stated): gnomAD exomes below 0.00001; gnomAD 0.00001; TOPMed 0.00001.
gnomAD v4.1: 4 of 1,612,854 alleles (0.00025%); highest among the groups gnomAD compares: Admixed American, 0.0017%; no homozygotes.

Submission:

Labcorp Genetics (formerly Invitae), Labcorp
Classification: Uncertain significance for L-2-hydroxyglutaric aciduria. Last evaluated: 2022-07-30. Review status: criteria provided, single submitter. Criteria: Invitae Variant Classification Sherloc (09022015). Collection method: clinical testing. Allele origin: germline.
Comment: Algorithms developed to predict the effect of missense changes on protein structure and function are either unavailable or do not agree on the potential impact of this missense change (SIFT: "Deleterious"; PolyPhen-2: "Probably Damaging"; Align-GVGD: "Class C0"). This variant has not been reported in the literature in individuals affected with L2HGDH-related conditions. This variant is present in population databases (no rsID available, gnomAD 0.003%). This sequence change replaces tyrosine, which is neutral and polar, with cysteine, which is neutral and slightly polar, at codon 373 of the L2HGDH protein (p.Tyr373Cys). In summary, the available evidence is currently insufficient to determine the role of this variant in disease. Therefore, it has been classified as a Variant of Uncertain Significance.

NM_024884.3(L2HGDH):c.1118A>G (p.Tyr373Cys)

Gene: L2HGDH (L-2-hydroxyglutarate dehydrogenase; minus strand). Cytogenetic location: 14q21.3.
Variant type: single nucleotide variant.
Coding change: c.1118A>G on transcript NM_024884.3 (MANE Select); coding-DNA position 1118, A replaced by G.
Protein change: p.Tyr373Cys; replaces tyrosine 373 with cysteine.
Molecular consequence: missense variant.
Genome position (GRCh38, 1-based): chr14:50,265,436, T>C on the plus strand (A>G on the coding strand, the complement: L2HGDH is on the minus strand). VCF-style: chr14-50265436-T-C. GRCh37 (hg19) VCF-style: chr14-50732154-T-C.
Other names: short protein forms Y373C.
Identifiers: ClinVar variation 1946161 (VCV001946161.5), dbSNP rs1053062980, ClinGen allele CA260736973.
Genomic context (GRCh38, chr14:50,265,436, plus strand): 5'-GTAATTTCAGGGATGAATTTTTGAAGATACTTCACTGTTGCACCAAGAAAACATGCTTTA[T>C]ACATTTCAGTAACTCCATAGGAAAAATTCTGGGATGCCAGTTTAATCAAGCCACTGAAAA-3'
Protein context (NP_079160.1, residues 363-383): QNFSYGVTEM[Tyr373Cys]KACFLGATVK